The following is an entry in ClinVar:

NM_001184.4(ATR):c.3020G>A (p.Ser1007Asn)

Gene: ATR (ATR checkpoint kinase; minus strand). Cytogenetic location: 3q23.
Variant type: single nucleotide variant.
Coding change: c.3020G>A on transcript NM_001184.4 (MANE Select); coding-DNA position 3020, G replaced by A.
Protein change: p.Ser1007Asn; replaces serine 1007 with asparagine.
Molecular consequence: missense variant.
Genome position (GRCh38, 1-based): chr3:142,549,630, C>T on the plus strand (G>A on the coding strand, the complement: ATR is on the minus strand). VCF-style: chr3-142549630-C-T. GRCh37 (hg19) VCF-style: chr3-142268472-C-T.
Other names: c.2828G>A, p.Ser943Asn (NM_001354579.2); short protein forms S1007N, S943N.
Identifiers: ClinVar variation 1015865 (VCV001015865.10), dbSNP rs531735564, ClinGen allele CA2650215.

ClinVar aggregate classification (germline): Uncertain significance. Review status: criteria provided, multiple submitters, no conflicts (2 of 4 stars). 2 submissions from 2 submitters: Uncertain significance (2). Last evaluated 2025-12-01.

Conditions:
Seckel syndrome 1 (SCKL1). Also called: MICROCEPHALIC PRIMORDIAL DWARFISM I. Identifiers: Orphanet 808, MedGen C4551474, MONDO:0008869, OMIM 210600.
Familial cutaneous telangiectasia and oropharyngeal predisposition cancer syndrome. Identifiers: Orphanet 313846, MedGen C3281203, MONDO:0013806, OMIM 614564.

Allele frequency attached by ClinVar (database versions not stated): TOPMed below 0.00001; ExAC 0.00001; gnomAD 0.00001 and 0.00002; gnomAD exomes 0.00001 and 0.00003; 1000 Genomes Project 30x 0.00031; 1000 Genomes Project 0.00040.
gnomAD v4.1: 10 of 1,613,572 alleles (0.00062%); highest among the groups gnomAD compares: East Asian, 0.02%; no homozygotes.

Submissions (2):

Labcorp Genetics (formerly Invitae), Labcorp
Classification: Uncertain significance. Last evaluated: 2025-12-01. Review status: criteria provided, single submitter. Criteria: Invitae Variant Classification Sherloc (09022015). Collection method: clinical testing. Allele origin: germline.
Comment: This sequence change replaces serine, which is neutral and polar, with asparagine, which is neutral and polar, at codon 1007 of the ATR protein (p.Ser1007Asn). This variant is present in population databases (rs531735564, gnomAD 0.03%). This variant has not been reported in the literature in individuals affected with ATR-related conditions. ClinVar contains an entry for this variant (Variation ID: 1015865). An algorithm developed to predict the effect of missense changes on protein structure and function (PolyPhen-2) suggests that this variant is likely to be disruptive. In summary, the available evidence is currently insufficient to determine the role of this variant in disease. Therefore, it has been classified as a Variant of Uncertain Significance.

Fulgent Genetics
Classification: Uncertain significance for Seckel syndrome 1; Familial cutaneous telangiectasia and oropharyngeal predisposition cancer syndrome. Last evaluated: 2024-03-12. Review status: criteria provided, single submitter. Criteria: ACMG Guidelines, 2015. Collection method: clinical testing. Allele origin: germline.